The following is an entry in ClinVar:

ClinVar aggregate classification (germline): Pathogenic (1 of 4 stars; one submission).

Submission:

ISCA Site 6
Classification: Pathogenic. Last evaluated: 2011-08-12. Review status: criteria provided, single submitter. Criteria: Kaminsky et al. (Genet Med. 2011). Collection method: clinical testing. Allele origin: unknown. Affected: yes. Observed: 2 variant alleles.
Comment: Copy number variation identified through the course of routine clinical cytogenomic testing in postnatal populations. Clinical assertions have been curated as described in Kaminsky et al. 2011.

GRCh38/hg38 15q11.2-13.1(chr15:23319714-28190742)x1

Genes: ATP10A (ATPase phospholipid transporting 10A (putative); minus strand), ATP10A-DT (ATP10A divergent transcript; plus strand), GABRA5 (gamma-aminobutyric acid type A receptor subunit alpha5; plus strand), GABRB3 (gamma-aminobutyric acid type A receptor subunit beta3; minus strand), GABRG3 (gamma-aminobutyric acid type A receptor subunit gamma3; plus strand) and 139 more. Cytogenetic location: 15q11.2-13.1.
Variant type: copy number loss.
Change: copy number 1 (one copy instead of two) of chr15:23,319,714-28,190,742 (4.87 Mb, GRCh38 coordinates, 1-based), cytogenetic band 15q11.2-13.1.
Identifiers: ClinVar variation 58579 (VCV000058579.2).